The following is an entry in ClinVar:

NM_000059.4(BRCA2):c.2220_2221delinsC (p.Val741fs)

Gene: BRCA2 (BRCA2 DNA repair associated; plus strand). Cytogenetic location: 13q13.1.
Variant type: Indel.
Coding change: c.2220_2221delinsC on transcript NM_000059.4 (MANE Select); coding-DNA positions 2220 to 2221, AG replaced by C.
Protein change: p.Val741fs; shifts the reading frame from valine 741.
Molecular consequence: frameshift variant. On other transcripts: non-coding transcript variant (1), intron variant (2).
Genome position (GRCh38, 1-based): chr13:32,336,575-32,336,576, AG replaced by C. VCF-style: chr13-32336575-AG-C. GRCh37 (hg19) VCF-style: chr13-32910712-AG-C.
Other names: c.2220_2221delinsC, p.Val741fs (NM_001406719.1, NM_001406720.1, NM_001432077.1); c.1909+3188_1909+3189delinsC (NM_001406721.1); c.424+5545_424+5546delinsC (NM_001406722.1); short protein forms V741fs.
Identifiers: ClinVar variation 4867785 (VCV004867785.1).

ClinVar aggregate classification (germline): Pathogenic (1 of 4 stars; one submission).

Conditions:
Hereditary cancer-predisposing syndrome. Also called: Neoplastic Syndromes, Hereditary; Tumor predisposition; Hereditary Cancer Syndrome; Hereditary neoplastic syndrome. Identifiers: Orphanet 140162, MedGen C0027672, MeSH D009386, MONDO:0015356.

Submission:

Ambry Genetics
Classification: Pathogenic for Hereditary cancer-predisposing syndrome. Last evaluated: 2026-03-20. Review status: criteria provided, single submitter. Criteria: Ambry Variant Classification Scheme 2023. Collection method: clinical testing. Allele origin: germline.
Comment: The c.2220_2221delAGinsC pathogenic mutation, located in coding exon 10 of the BRCA2 gene, results from the deletion of two nucleotides and insertion of one nucleotide causing a translational frameshift with a predicted alternate stop codon (p.V741Yfs*31). This variant is considered to be rare based on population cohorts in the Genome Aggregation Database (gnomAD). This alteration is expected to result in loss of function by premature protein truncation or nonsense-mediated mRNA decay. As such, this alteration is interpreted as a disease-causing mutation.